The following is an entry in ClinVar:

ClinVar aggregate classification (germline): Uncertain significance (1 of 4 stars; one submission).

Conditions:
Fanconi anemia (FA). Also called: Fanconi's anemia. Identifiers: Orphanet 84, MedGen C0015625, MeSH D005199, MONDO:0019391.

Allele frequency attached by ClinVar (database versions not stated): gnomAD exomes 0.00001.
gnomAD v4.1: 16 of 1,612,446 alleles (0.00099%); highest among the groups gnomAD compares: Non-Finnish European, 0.0013%; no homozygotes.

Submission:

Labcorp Genetics (formerly Invitae), Labcorp
Classification: Uncertain significance for Fanconi anemia. Last evaluated: 2021-08-28. Review status: criteria provided, single submitter. Criteria: Invitae Variant Classification Sherloc (09022015). Collection method: clinical testing. Allele origin: germline.
Comment: This sequence change replaces serine with cysteine at codon 898 of the FANCD2 protein (p.Ser898Cys). The serine residue is moderately conserved and there is a moderate physicochemical difference between serine and cysteine. This variant is not present in population databases (ExAC no frequency). This variant has not been reported in the literature in individuals affected with FANCD2-related conditions. Algorithms developed to predict the effect of missense changes on protein structure and function are either unavailable or do not agree on the potential impact of this missense change (SIFT: "Tolerated"; PolyPhen-2: "Possibly Damaging"; Align-GVGD: "Class C15"). In summary, the available evidence is currently insufficient to determine the role of this variant in disease. Therefore, it has been classified as a Variant of Uncertain Significance.

NM_001018115.3(FANCD2):c.2693C>G (p.Ser898Cys)

Genes: FANCD2 (FA complementation group D2; plus strand), LOC107303338 (3p25 FANCD2 Alu-mediated recombination region; plus strand). Cytogenetic location: 3p25.3.
Variant type: single nucleotide variant.
Coding change: c.2693C>G on transcript NM_001018115.3 (MANE Select); coding-DNA position 2693, C replaced by G.
Protein change: p.Ser898Cys; replaces serine 898 with cysteine.
Molecular consequence: missense variant.
Genome position (GRCh38, 1-based): chr3:10,073,340, C>G. VCF-style: chr3-10073340-C-G. GRCh37 (hg19) VCF-style: chr3-10115024-C-G.
Other names: c.2693C>G, p.Ser898Cys (NM_001319984.2, NM_001374254.1, NM_033084.6); c.2582C>G, p.Ser861Cys (NM_001374253.1); short protein forms S898C, S861C.
Identifiers: ClinVar variation 836440 (VCV000836440.7), dbSNP rs1693356065, ClinGen allele CA351743033.